The following is an entry in ClinVar:

NM_004614.5(TK2):c.688del (p.Ala230fs)

Gene: TK2 (thymidine kinase 2; minus strand). Cytogenetic location: 16q21.
Variant type: Deletion.
Coding change: c.688del on transcript NM_004614.5 (MANE Select); coding-DNA position 688, one base deleted (G; older notation c.688delG).
Protein change: p.Ala230fs; shifts the reading frame from alanine 230.
Molecular consequence: frameshift variant. On other transcripts: non-coding transcript variant (1).
Genome position (GRCh38, 1-based): chr16:66,513,742, C deleted on the plus strand (G on the coding strand, the reverse complement: TK2 is on the minus strand). VCF-style (leftmost placement, unchanged base first): chr16-66513741-GC-G. GRCh37 (hg19) VCF-style: chr16-66547644-GC-G.
Other names: c.541del, p.Ala181fs (NM_001271934.2); c.426del, p.Gln142fs (NM_001271935.1); c.397del, p.Ala133fs (NM_001272050.2); c.595del, p.Ala199fs (NM_001172643.1); c.613del, p.Ala205fs (NM_001172644.2); c.634del, p.Ala212fs (NM_001172645.2); short protein forms A133fs, A181fs, A199fs, A205fs, A212fs, A230fs, Q142fs.
Identifiers: ClinVar variation 1327192 (VCV001327192.6), dbSNP rs2144339644, ClinGen allele CA2573054250.

ClinVar aggregate classification (germline): Pathogenic/Likely pathogenic. Review status: criteria provided, multiple submitters, no conflicts (2 of 4 stars). 2 submissions from 2 submitters: Pathogenic (1); Likely pathogenic (1). Last evaluated 2023-12-09.

Submissions (2):

Labcorp Genetics (formerly Invitae), Labcorp
Classification: Pathogenic. Last evaluated: 2023-12-09. Review status: criteria provided, single submitter. Criteria: Invitae Variant Classification Sherloc (09022015). Collection method: clinical testing. Allele origin: germline.
Comment: This sequence change creates a premature translational stop signal (p.Ala230Profs*5) in the TK2 gene. While this is not anticipated to result in nonsense mediated decay, it is expected to disrupt the last 36 amino acid(s) of the TK2 protein. This variant is not present in population databases (gnomAD no frequency). This variant has not been reported in the literature in individuals affected with TK2-related conditions. ClinVar contains an entry for this variant (Variation ID: 1327192). This variant disrupts a region of the TK2 protein in which other variant(s) (p.Arg254*) have been determined to be pathogenic (PMID: 12655576). This suggests that this is a clinically significant region of the protein, and that variants that disrupt it are likely to be disease-causing. For these reasons, this variant has been classified as Pathogenic.

GeneDx
Classification: Likely pathogenic. Last evaluated: 2021-12-10. Review status: criteria provided, single submitter. Criteria: GeneDx Variant Classification Process June 2021. Collection method: clinical testing. Allele origin: germline. Affected: yes.
Comment: Frameshift variant in the C-terminus predicted to result in protein truncation, as the last 36 amino acids are lost and replaced with 4 incorrect amino acids (Stenson et al., 2014); Not observed in large population cohorts (Lek et al., 2016); Has not been previously published as pathogenic or benign to our knowledge

Literature cited by the submitters: PubMed 12655576 (cited by Labcorp Genetics (formerly Invitae), Labcorp).